The following is an entry in ClinVar:

NM_001323289.2(CDKL5):c.1455_1460del (p.Ala486_Lys487del)

Gene: CDKL5 (cyclin dependent kinase like 5; plus strand). Cytogenetic location: Xp22.13.
Variant type: Deletion.
Coding change: c.1455_1460del on transcript NM_001323289.2 (MANE Select); coding-DNA positions 1455 to 1460, 6 bases deleted (GGCCAA; older notation c.1455_1460delGGCCAA).
Protein change: p.Ala486_Lys487del.
Molecular consequence: inframe deletion.
Genome position (GRCh38, 1-based): chrX:18,604,379-18,604,384, GGCCAA deleted; deleting any 6 consecutive bases within chrX:18,604,375-18,604,384 gives the same sequence; the c. name uses the placement nearest the transcript's 3' end. VCF-style (leftmost placement, unchanged base first): chrX-18604374-ACCAAGG-A. GRCh37 (hg19) VCF-style: chrX-18622494-ACCAAGG-A.
Other names: NM_001323289.2(CDKL5):c.1455_1460del; p.Ala486_Lys487del; c.1455_1460del, p.Ala486_Lys487del (NM_001037343.2, NM_003159.3); c.1455_1460delGGCCAA (NM_003159.2); c.1455_1460del6 (NM_003159.2).
Identifiers: ClinVar variation 156642 (VCV000156642.17), dbSNP rs587783114, ClinGen allele CA199357.

ClinVar aggregate classification (germline): Benign. Review status: reviewed by expert panel (3 of 4 stars). 6 submissions from 6 submitters: Benign (1). 5 of the submissions do not count toward it. Last evaluated 2022-02-18.

Conditions:
CDKL5 disorder. Identifiers: MedGen CN296942, MONDO:0100039.
Developmental and epileptic encephalopathy, 2 (DEE2). Also called: INFANTILE SPASM SYNDROME, X-LINKED 2; CDKL5 deficiency disorder. Identifiers: Orphanet 1934, Orphanet 3451, Orphanet 505652, MedGen C4750718, MONDO:0010396, OMIM 300672.
Angelman syndrome-like. Identifiers: MedGen CN128785.
CDKL5-related disorder.

Submissions (6):

ClinGen Rett and Angelman-like Disorders Variant Curation Expert Panel
Classification: Benign for CDKL5 disorder. Last evaluated: 2022-02-18. Review status: reviewed by expert panel. Criteria: ClinGen RettAS ACMG Specifications V2. Collection method: curation. Allele origin: germline. Inheritance: X-linked inheritance.
Comment: The allele frequency of the p.Ala486_Lys487del variant in CDKL5 is 0.03% in Latino/Admixed American sub population in gnomAD, which is high enough to be classified as benign based on thresholds defined by the ClinGen Rett/Angelman-like Expert Panel for Rett/AS-like conditions (BA1). The p.Ala486_Lys487del variant is observed in 1 unaffected individual (RettBASE, PMID 22867051) (BS2_supporting). In summary, the p.Ala486_Lys487del variant in CDKL5 is classified as benign based on the ACMG/AMP criteria applied (BA1, BS2_supporting).

Labcorp Genetics (formerly Invitae), Labcorp
Classification: Likely benign for Developmental and epileptic encephalopathy, 2; Angelman syndrome-like. Last evaluated: 2025-12-21. Review status: criteria provided, single submitter. Criteria: Invitae Variant Classification Sherloc (09022015). Collection method: clinical testing. Allele origin: germline. Not counted in ClinVar's aggregate classification.

Centre for Population Genomics, CPG
Classification: Benign for CDKL5 disorder. Last evaluated: 2024-09-13. Review status: criteria provided, single submitter. Criteria: McKnight et al. (Hum Mutat. 2022). Collection method: curation. Allele origin: germline. Inheritance: X-linked inheritance. Not counted in ClinVar's aggregate classification.
Comment: This variant has been collected from RettBASE and curated to current modified ACMG/AMP criteria. Based on the classification scheme defined by the ClinGen Rett/Angelman-like Expert Panel for Rett/AS-like Disorders Specifications to the ACMG/AMP Variant Interpretation Guidelines VCEP 3.0, this variant is classified as benign. At least the following criteria are met: The allele frequency of this variant in at least one population in gnomAD is higher than the 0.03% threshold defined by the ClinGen Rett/Angelman-like Expert Panel for Rett/AS-like Disorders VCEP 3.0 (BA1).

GeneDx
Classification: Uncertain significance. Last evaluated: 2016-06-19. Review status: criteria provided, single submitter. Criteria: GeneDx Variant Classification (06012015). Collection method: clinical testing. Allele origin: germline. Affected: yes. Not counted in ClinVar's aggregate classification.
Comment: The variant results in an in-frame deletion of two amino acids. Therefore, based on the currently available information, it is unclear whether c.1455_1460delGGCCAA is a pathogenic variant or a rare benign variant.

PreventionGenetics, part of Exact Sciences
Classification: Likely benign for CDKL5-related condition. Last evaluated: 2022-08-09. Review status: no assertion criteria provided. Collection method: clinical testing. Allele origin: germline. Not counted in ClinVar's aggregate classification.
Comment: This variant is classified as likely benign based on ACMG/AMP sequence variant interpretation guidelines (Richards et al. 2015 PMID: 25741868, with internal and published modifications).

RettBASE
Classification: Likely benign. Last evaluated: 2014-05-09. Review status: no assertion criteria provided. Collection method: curation. Allele origin: maternal, unknown. Observed: 2 variant alleles. Not counted in ClinVar's aggregate classification.

Literature cited by the submitters: PubMed 22867051 (cited by RettBASE).